The following is an entry in ClinVar:

ClinVar aggregate classification (germline): Uncertain significance (1 of 4 stars; one submission).

Conditions:
Singleton-Merten syndrome 1 (SGMRT1). Also called: Widened medullary cavities of bone, aortic calcification, abnormal dentition, and muscular weakness; Syndrome of widened medullary cavities of the metacarpals and phalanges, aortic calcification and abnormal dentition. Identifiers: Orphanet 85191, MedGen C4225427, MONDO:0024535, OMIM 182250.
Aicardi-Goutieres syndrome 7 (AGS7). Identifiers: Orphanet 51, MedGen C3888244, MONDO:0014367, OMIM 615846.

Submission:

Labcorp Genetics (formerly Invitae), Labcorp
Classification: Uncertain significance for Aicardi-Goutieres syndrome 7; Singleton-Merten syndrome 1. Last evaluated: 2022-06-08. Review status: criteria provided, single submitter. Criteria: Invitae Variant Classification Sherloc (09022015). Collection method: clinical testing. Allele origin: germline.
Comment: In summary, the available evidence is currently insufficient to determine the role of this variant in disease. Therefore, it has been classified as a Variant of Uncertain Significance. Algorithms developed to predict the effect of missense changes on protein structure and function are either unavailable or do not agree on the potential impact of this missense change (SIFT: "Tolerated"; PolyPhen-2: "Probably Damaging"; Align-GVGD: "Class C0"). This variant has not been reported in the literature in individuals affected with IFIH1-related conditions. This variant is not present in population databases (gnomAD no frequency). This sequence change replaces phenylalanine, which is neutral and non-polar, with leucine, which is neutral and non-polar, at codon 550 of the IFIH1 protein (p.Phe550Leu).

NM_022168.4(IFIH1):c.1650T>A (p.Phe550Leu)

Gene: IFIH1 (interferon induced with helicase C domain 1; minus strand). Cytogenetic location: 2q24.2.
Variant type: single nucleotide variant.
Coding change: c.1650T>A on transcript NM_022168.4 (MANE Select); coding-DNA position 1650, T replaced by A.
Protein change: p.Phe550Leu; replaces phenylalanine 550 with leucine.
Molecular consequence: missense variant.
Genome position (GRCh38, 1-based): chr2:162,278,320, A>T on the plus strand (T>A on the coding strand, the complement: IFIH1 is on the minus strand). VCF-style: chr2-162278320-A-T. GRCh37 (hg19) VCF-style: chr2-163134830-A-T.
Other names: short protein forms F550L.
Identifiers: ClinVar variation 2102942 (VCV002102942.4), dbSNP rs2468960777, ClinGen allele CA349000303.